The following is an entry in ClinVar:

NM_001008537.3(NEXMIF):c.420G>T (p.Met140Ile)

Gene: NEXMIF (neurite extension and migration factor; minus strand). Cytogenetic location: Xq13.3.
Variant type: single nucleotide variant.
Coding change: c.420G>T on transcript NM_001008537.3 (MANE Select); coding-DNA position 420, G replaced by T.
Protein change: p.Met140Ile; replaces methionine 140 with isoleucine.
Molecular consequence: missense variant.
Genome position (GRCh38, 1-based): chrX:74,744,137, C>A on the plus strand (G>T on the coding strand, the complement: NEXMIF is on the minus strand). VCF-style: chrX-74744137-C-A. GRCh37 (hg19) VCF-style: chrX-73963972-C-A.
Other names: short protein forms M140I.
Identifiers: ClinVar variation 2705921 (VCV002705921.3), dbSNP rs2519916703, ClinGen allele CA413673442.

ClinVar aggregate classification (germline): Uncertain significance (1 of 4 stars; one submission).

Submission:

Labcorp Genetics (formerly Invitae), Labcorp
Classification: Uncertain significance. Last evaluated: 2023-12-27. Review status: criteria provided, single submitter. Criteria: Invitae Variant Classification Sherloc (09022015). Collection method: clinical testing. Allele origin: germline.
Comment: This sequence change replaces methionine, which is neutral and non-polar, with isoleucine, which is neutral and non-polar, at codon 140 of the NEXMIF protein (p.Met140Ile). This variant is not present in population databases (gnomAD no frequency). This variant has not been reported in the literature in individuals affected with NEXMIF-related conditions. An algorithm developed to predict the effect of missense changes on protein structure and function (PolyPhen-2) suggests that this variant is likely to be tolerated. In summary, the available evidence is currently insufficient to determine the role of this variant in disease. Therefore, it has been classified as a Variant of Uncertain Significance.